The following is an entry in ClinVar:

NM_001009999.3(KDM1A):c.2401G>A (p.Ala801Thr)

Gene: KDM1A (lysine demethylase 1A; plus strand). Cytogenetic location: 1p36.12.
Variant type: single nucleotide variant.
Coding change: c.2401G>A on transcript NM_001009999.3 (MANE Select); coding-DNA position 2401, G replaced by A.
Protein change: p.Ala801Thr; replaces alanine 801 with threonine.
Molecular consequence: missense variant.
Genome position (GRCh38, 1-based): chr1:23,082,322, G>A. VCF-style: chr1-23082322-G-A. GRCh37 (hg19) VCF-style: chr1-23408815-G-A.
Other names: c.2347G>A, p.Ala783Thr (NM_001363654.2); c.2407G>A, p.Ala803Thr (NM_001410762.1); c.2329G>A, p.Ala777Thr (NM_001410763.1, NM_015013.4); short protein forms A777T, A803T, A801T, A783T.
Identifiers: ClinVar variation 3863234 (VCV003863234.1).
Genomic context (GRCh38, chr1:23,082,322, plus strand): 5'-GCTCGGGGCTCTTATTCCTATGTTGCTGCAGGATCATCTGGAAATGACTATGATTTAATG[G>A]CTCAGCCAATCACTCCTGGCCCCTCGATTCCAGGTGCCCCACAGGTGAGAAGCTGGCAAA-3'
Protein context (NP_001009999.1, residues 791-811): GSSGNDYDLM[Ala801Thr]QPITPGPSIP

ClinVar aggregate classification (germline): Uncertain significance (1 of 4 stars; one submission).

Conditions:
Inborn genetic diseases. Identifiers: MedGen C0950123, MeSH D030342.

Submission:

Ambry Genetics
Classification: Uncertain significance for Inborn genetic diseases. Last evaluated: 2024-12-26. Review status: criteria provided, single submitter. Criteria: Ambry Variant Classification Scheme 2023. Collection method: clinical testing. Allele origin: germline.
Comment: The p.A801T variant (also known as c.2401G>A), located in coding exon 20 of the KDM1A gene, results from a G to A substitution at nucleotide position 2401. The alanine at codon 801 is replaced by threonine, an amino acid with similar properties. This amino acid position is conserved. In addition, this alteration is predicted to be deleterious by in silico analysis. Based on the available evidence, the clinical significance of this variant remains unclear.